The following is an entry in ClinVar:

NM_000098.3(CPT2):c.1355_1356delinsA (p.Gly452fs)

Gene: CPT2 (carnitine palmitoyltransferase 2; plus strand). Cytogenetic location: 1p32.3.
Variant type: Indel.
Coding change: c.1355_1356delinsA on transcript NM_000098.3 (MANE Select); coding-DNA positions 1355 to 1356, GC replaced by A.
Protein change: p.Gly452fs; shifts the reading frame from glycine 452.
Molecular consequence: frameshift variant.
Genome position (GRCh38, 1-based): chr1:53,211,029-53,211,030, GC replaced by A. VCF-style: chr1-53211029-GC-A. GRCh37 (hg19) VCF-style: chr1-53676701-GC-A.
Other names: c.1355_1356delinsA, p.Gly452fs (NM_001330589.2); short protein forms G452fs.
Identifiers: ClinVar variation 5004082 (VCV005004082.1).

ClinVar aggregate classification (germline): Pathogenic (1 of 4 stars; one submission).

Conditions:
Carnitine palmitoyltransferase II deficiency. Also called: Carnitine Palmitoyltransferase 2 Deficiency. Identifiers: Orphanet 157, MedGen C0342790, MONDO:0015515.

Submission:

Myriad Genetics, Inc.
Classification: Pathogenic for Carnitine palmitoyltransferase II deficiency. Last evaluated: 2025-07-24. Review status: criteria provided, single submitter. Criteria: Myriad Autosomal Dominant, Autosomal Recessive and X-Linked Classification Criteria (2023). Collection method: clinical testing. Allele origin: unknown.
Comment: NM_000098.2(CPT2):c.1355_1356delGCinsA(G452Efs*5) is a frameshift variant classified as pathogenic in the context of carnitine palmitoyltransferase II deficiency. G452Efs*5 has not been observed in cases with relevant disease. Relevant functional assessments of this variant are not available in the literature. G452Efs*5 has not been observed in referenced population frequency databases. In summary, NM_000098.2(CPT2):c.1355_1356delGCinsA(G452Efs*5) is a frameshift variant in a gene where loss of function is a known mechanism of disease and is predicted to disrupt protein function. Please note: this variant was assessed in the context of healthy population screening.